The following is an entry in ClinVar:

NM_000426.4(LAMA2):c.6086-2A>G

Genes: LAMA2 (laminin subunit alpha 2; plus strand), LOC123864065 (Sharpr-MPRA regulatory region 661; plus strand). Cytogenetic location: 6q22.33.
Variant type: single nucleotide variant.
Coding change: c.6086-2A>G on transcript NM_000426.4 (MANE Select); the canonical splice acceptor site of the intron before coding-DNA position 6086, A replaced by G.
Molecular consequence: splice acceptor variant.
Genome position (GRCh38, 1-based): chr6:129,440,814, A>G. VCF-style: chr6-129440814-A-G. GRCh37 (hg19) VCF-style: chr6-129761959-A-G.
Other names: c.6086-2A>G (NM_001079823.2).
Identifiers: ClinVar variation 2026201 (VCV002026201.4), dbSNP rs759055212, ClinGen allele CA146916893.
Genomic context (GRCh38, chr6:129,440,814, plus strand): 5'-ATGGATTAAGCCACTAACTCCACACCCTTTGTTTTGTTTTTCATACCCTCATCTGCTGAC[A>G]GATACAGCTGCTAAACTGCAAGCTGTTAAGGACAAAGCCAGACAAGCCAACGACACAGCT-3'

ClinVar aggregate classification (germline): Likely pathogenic (1 of 4 stars; one submission).

Conditions:
LAMA2-related muscular dystrophy (LAMA2-RD). Also called: Laminin alpha 2-related dystrophy. Identifiers: MedGen C5679788, MONDO:0100228.

gnomAD v4.1: 9 of 1,613,538 alleles (0.00056%); highest among the groups gnomAD compares: Non-Finnish European, 0.00076%; no homozygotes.

Submission:

Labcorp Genetics (formerly Invitae), Labcorp
Classification: Likely pathogenic for LAMA2-related muscular dystrophy. Last evaluated: 2023-04-18. Review status: criteria provided, single submitter. Criteria: Invitae Variant Classification Sherloc (09022015). Collection method: clinical testing. Allele origin: germline.
Comment: In summary, the currently available evidence indicates that the variant is pathogenic, but additional data are needed to prove that conclusively. Therefore, this variant has been classified as Likely Pathogenic. Algorithms developed to predict the effect of sequence changes on RNA splicing suggest that this variant may disrupt the consensus splice site. ClinVar contains an entry for this variant (Variation ID: 2026201). This variant has not been reported in the literature in individuals affected with LAMA2-related conditions. This variant is present in population databases (rs759055212, gnomAD 0.0009%). This sequence change affects an acceptor splice site in intron 42 of the LAMA2 gene. It is expected to disrupt RNA splicing. Variants that disrupt the donor or acceptor splice site typically lead to a loss of protein function (PMID: 16199547), and loss-of-function variants in LAMA2 are known to be pathogenic (PMID: 18700894, 32904964).

Literature cited by the submitters: PubMed 16199547; PubMed 18700894; PubMed 32904964.